The following is an entry in ClinVar:

NM_001904.4(CTNNB1):c.347C>T (p.Ala116Val)

Genes: CTNNB1 (catenin beta 1; plus strand), LOC126806658 (BRD4-independent group 4 enhancer GRCh37_chr3:41265899-41267098; plus strand). Cytogenetic location: 3p22.1.
Variant type: single nucleotide variant.
Coding change: c.347C>T on transcript NM_001904.4 (MANE Select); coding-DNA position 347, C replaced by T.
Protein change: p.Ala116Val; replaces alanine 116 with valine.
Molecular consequence: missense variant.
Genome position (GRCh38, 1-based): chr3:41,225,059, C>T. VCF-style: chr3-41225059-C-T. GRCh37 (hg19) VCF-style: chr3-41266550-C-T.
Other names: c.347C>T, p.Ala116Val (NM_001098209.2, NM_001098210.2); c.326C>T, p.Ala109Val (NM_001330729.2); short protein forms A109V, A116V.
Identifiers: ClinVar variation 2968237 (VCV002968237.3), dbSNP rs770107882, ClinGen allele CA74088965.

ClinVar aggregate classification (germline): Uncertain significance (1 of 4 stars; one submission).

Allele frequency attached by ClinVar (database versions not stated): gnomAD 0.00001; TOPMed 0.00002.
gnomAD v4.1: 40 of 1,613,994 alleles (0.0025%); highest among the groups gnomAD compares: Non-Finnish European, 0.0032%; 1 homozygote.

Submission:

Labcorp Genetics (formerly Invitae), Labcorp
Classification: Uncertain significance. Last evaluated: 2023-10-28. Review status: criteria provided, single submitter. Criteria: Invitae Variant Classification Sherloc (09022015). Collection method: clinical testing. Allele origin: germline.
Comment: This sequence change replaces alanine, which is neutral and non-polar, with valine, which is neutral and non-polar, at codon 116 of the CTNNB1 protein (p.Ala116Val). This variant is present in population databases (rs770107882, gnomAD 0.002%). This variant has not been reported in the literature in individuals affected with CTNNB1-related conditions. Advanced modeling of protein sequence and biophysical properties (such as structural, functional, and spatial information, amino acid conservation, physicochemical variation, residue mobility, and thermodynamic stability) performed at Invitae indicates that this missense variant is not expected to disrupt CTNNB1 protein function with a negative predictive value of 80%. In summary, the available evidence is currently insufficient to determine the role of this variant in disease. Therefore, it has been classified as a Variant of Uncertain Significance.